The following is an entry in ClinVar:

ClinVar aggregate classification (germline): Uncertain significance (1 of 4 stars; one submission).

Submission:

Labcorp Genetics (formerly Invitae), Labcorp
Classification: Uncertain significance. Last evaluated: 2024-01-04. Review status: criteria provided, single submitter. Criteria: Invitae Variant Classification Sherloc (09022015). Collection method: clinical testing. Allele origin: germline.
Comment: This sequence change replaces glutamic acid, which is acidic and polar, with valine, which is neutral and non-polar, at codon 337 of the FBLN5 protein (p.Glu337Val). This variant is not present in population databases (gnomAD no frequency). This variant has not been reported in the literature in individuals affected with FBLN5-related conditions. Advanced modeling of protein sequence and biophysical properties (such as structural, functional, and spatial information, amino acid conservation, physicochemical variation, residue mobility, and thermodynamic stability) performed at Invitae indicates that this missense variant is not expected to disrupt FBLN5 protein function with a negative predictive value of 80%. In summary, the available evidence is currently insufficient to determine the role of this variant in disease. Therefore, it has been classified as a Variant of Uncertain Significance.

NM_006329.4(FBLN5):c.1010A>T (p.Glu337Val)

Gene: FBLN5 (fibulin 5; minus strand). Cytogenetic location: 14q32.12.
Variant type: single nucleotide variant.
Coding change: c.1010A>T on transcript NM_006329.4 (MANE Select); coding-DNA position 1010, A replaced by T.
Protein change: p.Glu337Val; replaces glutamic acid 337 with valine.
Molecular consequence: missense variant.
Genome position (GRCh38, 1-based): chr14:91,877,662, T>A on the plus strand (A>T on the coding strand, the complement: FBLN5 is on the minus strand). VCF-style: chr14-91877662-T-A. GRCh37 (hg19) VCF-style: chr14-92344006-T-A.
Other names: c.1133A>T, p.Glu378Val (NM_001384158.1); c.1061A>T, p.Glu354Val (NM_001384159.1); c.1010A>T, p.Glu337Val (NM_001384160.1); c.842A>T, p.Glu281Val (NM_001384161.1, NM_001384162.1); short protein forms E378V, E337V, E354V, E281V.
Identifiers: ClinVar variation 2707509 (VCV002707509.3), dbSNP rs2542752428, ClinGen allele CA390641085.
Genomic context (GRCh38, chr14:91,877,662, plus strand): 5'-GACACCACGTCCATGTCCCGGTACAAGATGGTAAAGGGCTGGTCTCTGCAGCCAGGGTTC[T>A]CAGCAGGACACATACAGCGGCTGTGGAAAGGGAAATCACGTGAGAACTCAAGAAATCCAT-3'
Protein context (NP_006320.2, residues 327-347): ISDNRCMCPA[Glu337Val]NPGCRDQPFT